The following is an entry in ClinVar:

ClinVar aggregate classification (germline): Uncertain significance (1 of 4 stars; one submission).

Submission:

Athena Diagnostics
Classification: Uncertain significance. Last evaluated: 2022-12-21. Review status: criteria provided, single submitter. Criteria: Athena Diagnostics Criteria. Collection method: clinical testing. Allele origin: unknown.
Comment: Available data are insufficient to determine the clinical significance of the variant at this time. This variant has not been reported in large, multi-ethnic general populations. Computational tools predict that this variant is damaging.

NM_001244008.2(KIF1A):c.1022C>T (p.Thr341Ile)

Gene: KIF1A (kinesin family member 1A; minus strand). Cytogenetic location: 2q37.3.
Variant type: single nucleotide variant.
Coding change: c.1022C>T on transcript NM_001244008.2 (MANE Select); coding-DNA position 1022, C replaced by T.
Protein change: p.Thr341Ile; replaces threonine 341 with isoleucine.
Molecular consequence: missense variant.
Genome position (GRCh38, 1-based): chr2:240,774,198, G>A on the plus strand (C>T on the coding strand, the complement: KIF1A is on the minus strand). VCF-style: chr2-240774198-G-A. GRCh37 (hg19) VCF-style: chr2-241713615-G-A.
Other names: c.1022C>T, p.Thr341Ile (NM_001320705.2, NM_001330289.2, NM_001330290.2 and 21 more transcripts); short protein forms T341I.
Identifiers: ClinVar variation 2684255 (VCV002684255.1), dbSNP rs2125976621, ClinGen allele CA351296667.
Genomic context (GRCh38, chr2:240,774,198, plus strand): 5'-AGACCAGGGAGCGGGAAGCAGAGCTTGTCTCCCTGGAGAACTCACCTCAGCGTGCTAAGG[G>A]TCTCATCGTAGTTGATGTCTGCAGGACTCAAGGCTGCCACCATAGCTGTCCTTGAGTTAC-3'
Protein context (NP_001230937.1, residues 331-351): LSPADINYDE[Thr341Ile]LSTLRYADRA